The following is an entry in ClinVar:

ClinVar aggregate classification (germline): Uncertain significance (1 of 4 stars; one submission).

gnomAD v4.1: 61 of 1,612,206 alleles (0.0038%); highest among the groups gnomAD compares: African/African-American, 0.068%; no homozygotes.

Submission:

GeneDx
Classification: Uncertain significance. Last evaluated: 2026-04-06. Review status: criteria provided, single submitter. Criteria: GeneDx Variant Classification Process June 2021. Collection method: clinical testing. Allele origin: germline.
Comment: In silico analysis supports that this missense variant has a deleterious effect on protein structure/function; Has not been previously published as pathogenic or benign to our knowledge

NM_022835.3(PLEKHG2):c.2330G>T (p.Gly777Val)

Gene: PLEKHG2 (pleckstrin homology and RhoGEF domain containing G2; plus strand). Cytogenetic location: 19q13.2.
Variant type: single nucleotide variant.
Coding change: c.2330G>T on transcript NM_022835.3 (MANE Select); coding-DNA position 2330, G replaced by T.
Protein change: p.Gly777Val; replaces glycine 777 with valine.
Molecular consequence: missense variant. On other transcripts: intron variant (1).
Genome position (GRCh38, 1-based): chr19:39,423,384, G>T. VCF-style: chr19-39423384-G-T. GRCh37 (hg19) VCF-style: chr19-39914024-G-T.
Other names: c.2153G>T, p.Gly718Val (NM_001351693.2); c.1677+1096G>T (NM_001351694.2); short protein forms G718V, G777V.
Identifiers: ClinVar variation 5018003 (VCV005018003.1).